The following is an entry in ClinVar:

ClinVar aggregate classification (germline): Uncertain significance (1 of 4 stars; one submission).

Conditions:
EGFR-related lung cancer (EGFR). Identifiers: MedGen CN130014.

gnomAD v4.1: 1 of 1,614,264 alleles (0.000062%); highest among the groups gnomAD compares: African/African-American, 0.0013%; no homozygotes.

Submission:

Labcorp Genetics (formerly Invitae), Labcorp
Classification: Uncertain significance for EGFR-related lung cancer. Last evaluated: 2022-07-17. Review status: criteria provided, single submitter. Criteria: Invitae Variant Classification Sherloc (09022015). Collection method: clinical testing. Allele origin: germline.
Comment: This variant has not been reported in the literature in individuals affected with EGFR-related conditions. This sequence change falls in intron 13 of the EGFR gene. It does not directly change the encoded amino acid sequence of the EGFR protein. This variant is not present in population databases (gnomAD no frequency). Algorithms developed to predict the effect of sequence changes on RNA splicing suggest that this variant may create or strengthen a splice site. In summary, the available evidence is currently insufficient to determine the role of this variant in disease. Therefore, it has been classified as a Variant of Uncertain Significance.

NM_005228.5(EGFR):c.1631+8G>A

Gene: EGFR (epidermal growth factor receptor; plus strand). Cytogenetic location: 7p11.2.
Variant type: single nucleotide variant.
Coding change: c.1631+8G>A on transcript NM_005228.5 (MANE Select); 8 bases into the intron after coding-DNA position 1631, G replaced by A.
Molecular consequence: intron variant.
Genome position (GRCh38, 1-based): chr7:55,161,639, G>A. VCF-style: chr7-55161639-G-A. GRCh37 (hg19) VCF-style: chr7-55229332-G-A.
Other names: c.1496+8G>A (NM_001346899.2, NM_001346897.2); c.830+8G>A (NM_001346941.2); c.1631+8G>A (NM_001346898.2, NM_201284.2, NM_201282.2); c.1472+8G>A (NM_001346900.2).
Identifiers: ClinVar variation 2017744 (VCV002017744.4), dbSNP rs1562772255, ClinGen allele CA2580077246.